The following is an entry in ClinVar:

NM_000256.3(MYBPC3):c.506-1G>A

Gene: MYBPC3 (myosin binding protein C3; minus strand). Cytogenetic location: 11p11.2.
Variant type: single nucleotide variant.
Coding change: c.506-1G>A on transcript NM_000256.3 (MANE Select); the canonical splice acceptor site of the intron before coding-DNA position 506, G replaced by A.
Molecular consequence: splice acceptor variant.
Genome position (GRCh38, 1-based): chr11:47,349,923, C>T on the plus strand (G>A on the coding strand, the complement: MYBPC3 is on the minus strand). VCF-style: chr11-47349923-C-T. GRCh37 (hg19) VCF-style: chr11-47371474-C-T.
Identifiers: ClinVar variation 525018 (VCV000525018.28), dbSNP rs397516056, ClinGen allele CA380338276.

ClinVar aggregate classification (germline): Pathogenic. Review status: criteria provided, multiple submitters, no conflicts (2 of 4 stars). 5 submissions from 5 submitters: Pathogenic (4). 1 of the submissions does not count toward it. Last evaluated 2025-12-08.

Conditions:
Hypertrophic cardiomyopathy 4. Also called: Familial hypertrophic cardiomyopathy 4. Identifiers: MedGen C1861862, MONDO:0007268, OMIM 115197.
MYBPC3-related disorder. Also called: MYBPC3-related disorders; MYBPC3-related condition; MYBPC3-related disease.
Hypertrophic cardiomyopathy. Also called: HYPERTROPHIC MYOCARDIOPATHY. Identifiers: Orphanet 217569, MedGen C0007194, MeSH D002312, MONDO:0005045, HP:0001639.

Submissions (5):

Labcorp Genetics (formerly Invitae), Labcorp
Classification: Pathogenic for Hypertrophic cardiomyopathy. Last evaluated: 2025-12-08. Review status: criteria provided, single submitter. Criteria: Invitae Variant Classification Sherloc (09022015). Collection method: clinical testing. Allele origin: germline.
Comment: This sequence change affects an acceptor splice site in intron 4 of the MYBPC3 gene. It is expected to disrupt RNA splicing. Variants that disrupt the donor or acceptor splice site typically lead to a loss of protein function (PMID: 16199547), and loss-of-function variants in MYBPC3 are known to be pathogenic (PMID: 19574547). This variant is not present in population databases (gnomAD no frequency). Disruption of this splice site has been observed in individuals with hypertrophic cardiomyopathy (PMID: 25078086, 27532257). ClinVar contains an entry for this variant (Variation ID: 525018). Algorithms developed to predict the effect of sequence changes on RNA splicing suggest that this variant may disrupt the consensus splice site. For these reasons, this variant has been classified as Pathogenic.

GeneDx
Classification: Pathogenic. Last evaluated: 2025-09-18. Review status: criteria provided, single submitter. Criteria: GeneDx Variant Classification Process June 2021. Collection method: clinical testing. Allele origin: germline. Affected: yes.
Comment: Canonical splice site variant predicted to result in a null allele in a gene for which loss of function is a known mechanism of disease; Not observed at significant frequency in large population cohorts (gnomAD); This variant is associated with the following publications: (PMID: 37937776, 25078086, 27532257, 37652022)

Blueprint Genetics
Classification: Pathogenic for MYBPC3-related disorders. Last evaluated: 2023-07-13. Review status: criteria provided, single submitter. Criteria: ACMG Guidelines, 2015. Collection method: clinical testing. Allele origin: germline. Affected: yes. Observed: 3 variant alleles.

Clinical Genetics Laboratory, Region Ostergotland
Classification: Pathogenic for Hypertrophic cardiomyopathy 4. Last evaluated: 2020-01-24. Review status: criteria provided, single submitter. Criteria: ACMG Guidelines, 2015. Collection method: clinical testing. Allele origin: germline. Affected: yes.
Comment: PVS1, PM2, PP5

deCODE genetics, Amgen
Classification: Likely pathogenic for Hypertrophic cardiomyopathy 4. Last evaluated: 2023-07-21. Review status: no assertion criteria provided. Collection method: research. Allele origin: germline. Affected: yes. Observed: 28 variant alleles. Not counted in ClinVar's aggregate classification.
Comment: The variant NM_000256.3:c.506-1G>A (chr11:47349923) in MYBPC3 was detected in 15 heterozygotes out of 58K WGS Icelanders (MAF= 0,013%). This variant has been reported in ClinVar previously as pathogenic. Based on ACMG criteria (PVS1, PP5) this variant classifies as likely pathogenic.

Literature cited by the submitters: PubMed 16199547 (cited by Labcorp Genetics (formerly Invitae), Labcorp); PubMed 19574547 (cited by Labcorp Genetics (formerly Invitae), Labcorp); PubMed 25078086 (cited by Labcorp Genetics (formerly Invitae), Labcorp); PubMed 27532257 (cited by Labcorp Genetics (formerly Invitae), Labcorp).